The following is an entry in ClinVar:

ClinVar aggregate classification (germline): Pathogenic (1 of 4 stars; one submission).

Submission:

Labcorp Genetics (formerly Invitae), Labcorp
Classification: Pathogenic. Last evaluated: 2022-06-30. Review status: criteria provided, single submitter. Criteria: Invitae Variant Classification Sherloc (09022015). Collection method: clinical testing. Allele origin: germline.
Comment: For these reasons, this variant has been classified as Pathogenic. This variant has not been reported in the literature in individuals affected with GFM1-related conditions. This variant is a gross deletion of the genomic region encompassing exon(s) 14-15 of the GFM1 gene. This deletion is out-of-frame, and is expected to create a premature termination codon and result in an absent or disrupted protein product. Loss-of-function variants in GFM1 are known to be pathogenic (PMID: 16632485, 17160893).

Literature cited by the submitters: PubMed 16632485; PubMed 17160893.

NC_000003.11:g.(?_158399774)_(158402467_?)del

Gene: GFM1 (G elongation factor mitochondrial 1; plus strand). Cytogenetic location: 3q25.32.
Variant type: Deletion.
Identifiers: ClinVar variation 1070157 (VCV001070157.6).